The following is an entry in ClinVar:

ClinVar aggregate classification (germline): Likely benign (1 of 4 stars; one submission).

Allele frequency attached by ClinVar (database versions not stated): TOPMed 0.00004; gnomAD 0.00005; gnomAD exomes 0.00007; ExAC 0.00010; ESP Exome Variant Server 0.00015.
gnomAD v4.1: 104 of 1,610,304 alleles (0.0065%); highest among the groups gnomAD compares: Non-Finnish European, 0.008%; no homozygotes.

Submission:

CeGaT Center for Human Genetics Tuebingen
Classification: Likely benign. Last evaluated: 2023-07-01. Review status: criteria provided, single submitter. Criteria: CeGaT Center For Human Genetics Tuebingen Variant Classification Criteria Version 2. Collection method: clinical testing. Allele origin: germline. Affected: yes. Observed: 1 variant allele.
Comment: PNPLA7: BP4

NM_001098537.3(PNPLA7):c.3039+8G>A

Gene: PNPLA7 (patatin like domain 7, lysophospholipase; minus strand). Cytogenetic location: 9q34.3.
Variant type: single nucleotide variant.
Coding change: c.3039+8G>A on transcript NM_001098537.3 (MANE Select); 8 bases into the intron after coding-DNA position 3039, G replaced by A.
Molecular consequence: intron variant.
Genome position (GRCh38, 1-based): chr9:137,467,309, C>T on the plus strand (G>A on the coding strand, the complement: PNPLA7 is on the minus strand). VCF-style: chr9-137467309-C-T. GRCh37 (hg19) VCF-style: chr9-140361761-C-T.
Other names: c.2964+8G>A (NM_152286.5).
Identifiers: ClinVar variation 2659824 (VCV002659824.24), dbSNP rs374358599, ClinGen allele CA5371148.